The following is an entry in ClinVar:

ClinVar aggregate classification (germline): Uncertain significance (1 of 4 stars; one submission).

Allele frequency attached by ClinVar (database versions not stated): gnomAD exomes below 0.00001.
gnomAD v4.1: 1 of 1,613,872 alleles (0.000062%); highest among the groups gnomAD compares: Non-Finnish European, 0.000085%; no homozygotes.

Submission:

Labcorp Genetics (formerly Invitae), Labcorp
Classification: Uncertain significance. Last evaluated: 2025-02-23. Review status: criteria provided, single submitter. Criteria: Invitae Variant Classification Sherloc (09022015). Collection method: clinical testing. Allele origin: germline.
Comment: This sequence change replaces arginine, which is basic and polar, with cysteine, which is neutral and slightly polar, at codon 59 of the DSG1 protein (p.Arg59Cys). This variant is not present in population databases (gnomAD no frequency). This variant has not been reported in the literature in individuals affected with DSG1-related conditions. ClinVar contains an entry for this variant (Variation ID: 2874683). Invitae Evidence Modeling of protein sequence and biophysical properties (such as structural, functional, and spatial information, amino acid conservation, physicochemical variation, residue mobility, and thermodynamic stability) indicates that this missense variant is not expected to disrupt DSG1 protein function with a negative predictive value of 80%. In summary, the available evidence is currently insufficient to determine the role of this variant in disease. Therefore, it has been classified as a Variant of Uncertain Significance.

NM_001942.4(DSG1):c.175C>T (p.Arg59Cys)

Gene: DSG1 (desmoglein 1; plus strand). Cytogenetic location: 18q12.1.
Variant type: single nucleotide variant.
Coding change: c.175C>T on transcript NM_001942.4 (MANE Select); coding-DNA position 175, C replaced by T.
Protein change: p.Arg59Cys; replaces arginine 59 with cysteine.
Molecular consequence: missense variant.
Genome position (GRCh38, 1-based): chr18:31,326,964, C>T. VCF-style: chr18-31326964-C-T. GRCh37 (hg19) VCF-style: chr18-28906927-C-T.
Other names: short protein forms R59C.
Identifiers: ClinVar variation 2874683 (VCV002874683.3), dbSNP rs2071689533, ClinGen allele CA402127905.